The following is an entry in ClinVar:

ClinVar aggregate classification (germline): Uncertain significance (1 of 4 stars; one submission).

Conditions:
Inborn genetic diseases. Identifiers: MedGen C0950123, MeSH D030342.

Submission:

Ambry Genetics
Classification: Uncertain significance for Inborn genetic diseases. Last evaluated: 2026-08-11. Review status: criteria provided, single submitter. Criteria: Ambry Variant Classification Scheme 2023. Collection method: clinical testing. Allele origin: germline.
Comment: The p.H873P variant (also known as c.2618A>C), located in coding exon 22 of the DNMT3A gene, results from an A to C substitution at nucleotide position 2618. The histidine at codon 873 is replaced by proline, an amino acid with similar properties. This amino acid position is conserved. In addition, this alteration is predicted to be deleterious by in silico analysis. Based on the available evidence, the clinical significance of this variant remains unclear.

NM_022552.5(DNMT3A):c.2618A>C (p.His873Pro)

Gene: DNMT3A (DNA methyltransferase 3 alpha; minus strand). Cytogenetic location: 2p23.3.
Variant type: single nucleotide variant.
Coding change: c.2618A>C on transcript NM_022552.5 (MANE Select); coding-DNA position 2618, A replaced by C.
Protein change: p.His873Pro; replaces histidine 873 with proline.
Molecular consequence: missense variant. On other transcripts: non-coding transcript variant (1).
Genome position (GRCh38, 1-based): chr2:25,234,400, T>G on the plus strand (A>C on the coding strand, the complement: DNMT3A is on the minus strand). VCF-style: chr2-25234400-T-G. GRCh37 (hg19) VCF-style: chr2-25457269-T-G.
Other names: c.2162A>C, p.His721Pro (NM_001320893.1); c.1949A>C, p.His650Pro (NM_001375819.1); c.2051A>C, p.His684Pro (NM_153759.3); c.2618A>C, p.His873Pro (NM_175629.2); short protein forms H650P, H873P, H684P, H721P.
Identifiers: ClinVar variation 5035520 (VCV005035520.1).